The following is an entry in ClinVar:

NM_000321.3(RB1):c.2345T>C (p.Ile782Thr)

Gene: RB1 (RB transcriptional corepressor 1; plus strand). Cytogenetic location: 13q14.2.
Variant type: single nucleotide variant.
Coding change: c.2345T>C on transcript NM_000321.3 (MANE Select); coding-DNA position 2345, T replaced by C.
Protein change: p.Ile782Thr; replaces isoleucine 782 with threonine.
Molecular consequence: missense variant.
Genome position (GRCh38, 1-based): chr13:48,465,224, T>C. VCF-style: chr13-48465224-T-C. GRCh37 (hg19) VCF-style: chr13-49039360-T-C.
Other names: short protein forms I782T.
Identifiers: ClinVar variation 847499 (VCV000847499.15), dbSNP rs1949432262, ClinGen allele CA388167788.

ClinVar aggregate classification (germline): Uncertain significance. Review status: criteria provided, multiple submitters, no conflicts (2 of 4 stars). 6 submissions from 6 submitters: Uncertain significance (6). Last evaluated 2025-07-21.

Conditions:
Hereditary cancer-predisposing syndrome. Also called: Tumor predisposition; Hereditary neoplastic syndrome; Neoplastic Syndromes, Hereditary; Hereditary Cancer Syndrome. Identifiers: Orphanet 140162, MedGen C0027672, MeSH D009386, MONDO:0015356.
Retinoblastoma (RB1). Also called: RETINOBLASTOMA, SOMATIC. Identifiers: Orphanet 790, MedGen C0035335, MeSH D012175, MONDO:0008380, OMIM 180200, HP:0009919. Disease mechanism: loss of function. Inheritance: Both sporadic and heritable forms are tested..

Allele frequency attached by ClinVar (database versions not stated): gnomAD exomes below 0.00001; TOPMed 0.00001.
gnomAD v4.1: 2 of 1,614,048 alleles (0.00012%); highest among the groups gnomAD compares: Non-Finnish European, 0.00017%; no homozygotes.

Submissions (6):

Color Diagnostics, LLC DBA Color Health
Classification: Uncertain significance for Retinoblastoma. Last evaluated: 2025-07-21. Review status: criteria provided, single submitter. Criteria: ACMG Guidelines, 2015. Collection method: clinical testing. Allele origin: germline.
Comment: This missense variant replaces isoleucine with threonine at codon 782 of the RB1 protein. Computational prediction is inconclusive regarding the impact of this variant on protein structure and function. To our knowledge, functional studies have not been reported for this variant. This variant has not been reported in individuals affected with RB1-related disorders in the literature. This variant has not been identified in the general population by the Genome Aggregation Database (gnomAD). The available evidence is insufficient to determine the role of this variant in disease conclusively. Therefore, this variant is classified as a Variant of Uncertain Significance.

Labcorp Genetics (formerly Invitae), Labcorp
Classification: Uncertain significance for Retinoblastoma. Last evaluated: 2025-05-07. Review status: criteria provided, single submitter. Criteria: Invitae Variant Classification Sherloc (09022015). Collection method: clinical testing. Allele origin: germline.
Comment: This sequence change replaces isoleucine, which is neutral and non-polar, with threonine, which is neutral and polar, at codon 782 of the RB1 protein (p.Ile782Thr). This variant is not present in population databases (gnomAD no frequency). This variant has not been reported in the literature in individuals affected with RB1-related conditions. ClinVar contains an entry for this variant (Variation ID: 847499). Invitae Evidence Modeling of protein sequence and biophysical properties (such as structural, functional, and spatial information, amino acid conservation, physicochemical variation, residue mobility, and thermodynamic stability) indicates that this missense variant is not expected to disrupt RB1 protein function with a negative predictive value of 80%. In summary, the available evidence is currently insufficient to determine the role of this variant in disease. Therefore, it has been classified as a Variant of Uncertain Significance.

Ambry Genetics
Classification: Uncertain significance for Hereditary cancer-predisposing syndrome. Last evaluated: 2024-03-16. Review status: criteria provided, single submitter. Criteria: Ambry Variant Classification Scheme 2023. Collection method: clinical testing. Allele origin: germline.
Comment: The p.I782T variant (also known as c.2345T>C), located in coding exon 23 of the RB1 gene, results from a T to C substitution at nucleotide position 2345. The isoleucine at codon 782 is replaced by threonine, an amino acid with similar properties. This amino acid position is conserved. In addition, the in silico prediction for this alteration is inconclusive. Since supporting evidence is limited at this time, the clinical significance of this alteration remains unclear.

GeneDx
Classification: Uncertain significance. Last evaluated: 2023-05-26. Review status: criteria provided, single submitter. Criteria: GeneDx Variant Classification Process June 2021. Collection method: clinical testing. Allele origin: germline. Affected: yes.
Comment: Not observed at significant frequency in large population cohorts (gnomAD); In silico analysis supports that this missense variant does not alter protein structure/function; Has not been previously published as pathogenic or benign to our knowledge

All of Us Research Program, National Institutes of Health
Classification: Uncertain significance for Retinoblastoma. Last evaluated: 2023-04-03. Review status: criteria provided, single submitter. Criteria: ACMG Guidelines, 2015. Collection method: clinical testing. Allele origin: germline. Inheritance: Autosomal dominant inheritance. Observed: 1 variant allele, 1 heterozygote.
Comment: This missense variant replaces isoleucine with threonine at codon 782 of the RB1 protein. Computational prediction is inconclusive regarding the impact of this variant on protein structure and function (internally defined REVEL score threshold 0.5 < inconclusive < 0.7, PMID: 27666373). To our knowledge, functional studies have not been reported for this variant. This variant has not been reported in individuals affected with hereditary cancer in the literature. This variant has not been identified in the general population by the Genome Aggregation Database (gnomAD). The available evidence is insufficient to determine the role of this variant in disease conclusively. Therefore, this variant is classified as a Variant of Uncertain Significance.

This study involves interpretation of variants in research participants for the purpose of population health screening. Participant phenotype was not available at the time of variant classification. Additional details can be found in publication PMID: 35346344, PMCID: PMC8962531

Sema4
Classification: Uncertain significance for Hereditary cancer-predisposing syndrome. Last evaluated: 2021-09-16. Review status: criteria provided, single submitter. Criteria: Sema4 Curation Guidelines. Collection method: curation. Allele origin: germline.
Comment: The RB1 c.2345T>C (p.I782T) variant has not been reported in the literature to our knowledge. It was not observed in the large and broad cohorts of the Genome Aggregation Database. The variant has been reported in ClinVar (Variation ID 847499). Functional studies have not been performed, and in silico predictions of the variant's effect on protein function are inconclusive. The evidence is insufficient to meet ACMG/AMP criteria for classifying the variant as benign or pathogenic. Thus, the clinical significance of this variant is currently uncertain.